The following is an entry in ClinVar:

ClinVar aggregate classification (germline): Pathogenic. Review status: criteria provided, multiple submitters, no conflicts (2 of 4 stars). 6 submissions from 6 submitters: Pathogenic (5). 1 of the submissions does not count toward it. Last evaluated 2026-03-19.

Conditions:
Cornelia de Lange syndrome 1 (CDLS1). Also called: Brachmann de Lange syndrome; NIPBL-Related Cornelia de Lange Syndrome; TYPUS DEGENERATIVUS AMSTELODAMENSIS. Identifiers: Orphanet 199, MedGen C4551851, MONDO:0007387, OMIM 122470.

Submissions (7):

GeneDx
Classification: Pathogenic. Last evaluated: 2026-03-19. Review status: criteria provided, single submitter. Criteria: GeneDx Variant Classification Process June 2021. Collection method: clinical testing. Allele origin: germline.
Comment: Canonical splice site variant predicted to result in a null allele in a gene for which loss of function is a known mechanism of disease; Not observed at significant frequency in large population cohorts (gnomAD); This variant is associated with the following publications: (PMID: 25525159, 31911672, 32856424, 15591270, 22581668, 30158690, 37377026, 35904121, 32109418)

Labcorp Genetics (formerly Invitae), Labcorp
Classification: Pathogenic for Cornelia de Lange syndrome 1. Last evaluated: 2025-08-06. Review status: criteria provided, single submitter. Criteria: Invitae Variant Classification Sherloc (09022015). Collection method: clinical testing. Allele origin: germline.
Comment: This sequence change affects a donor splice site in intron 2 of the NIPBL gene. It is expected to disrupt RNA splicing. Variants that disrupt the donor or acceptor splice site typically lead to a loss of protein function (PMID: 16199547), and loss-of-function variants in NIPBL are known to be pathogenic (PMID: 15318302, 19763162, 23505322, 29995837). This variant is not present in population databases (gnomAD no frequency). Disruption of this splice site has been observed in individual(s) with Cornelia de Lange syndrome (PMID: 15591270, 22581668, 25574841). In at least one individual the variant was observed to be de novo. It has also been observed to segregate with disease in related individuals. ClinVar contains an entry for this variant (Variation ID: 159191). Algorithms developed to predict the effect of sequence changes on RNA splicing suggest that this variant may disrupt the consensus splice site. For these reasons, this variant has been classified as Pathogenic.

Greenwood Genetic Center Diagnostic Laboratories, Greenwood Genetic Center
Classification: Pathogenic for Cornelia de Lange syndrome 1. Last evaluated: 2021-12-10. Review status: criteria provided, single submitter. Criteria: ACMG Guidelines, 2015. Collection method: clinical testing. Allele origin: germline. Affected: yes.
Comment: PVS1, PS4, PM2, PM6

Genome-Nilou Lab
Classification: Pathogenic for Cornelia de Lange syndrome 1. Last evaluated: 2021-07-15. Review status: criteria provided, single submitter. Criteria: ACMG Guidelines, 2015. Collection method: clinical testing. Allele origin: germline. Affected: no.

Genetic Services Laboratory, University of Chicago
Classification: Pathogenic for Cornelia de Lange syndrome 1. Last evaluated: 2013-02-08. Review status: criteria provided, single submitter. Criteria: ACMG Guidelines, 2007. Collection method: clinical testing. Allele origin: germline. Inheritance: Autosomal dominant inheritance. Affected: yes.

Lupski Lab, Baylor-Hopkins CMG, Baylor College of Medicine
Classification: Pathogenic for Cornelia de Lange Syndrome 1 (CdLS1). Last evaluated: 2014-12-02. Review status: no assertion criteria provided. Collection method: research. Allele origin: unknown. Affected: yes. Observed: 1 heterozygote. Not counted in ClinVar's aggregate classification.

Dr. Peter K. Rogan Lab, Western University
No classification provided (evidence only). Condition: Adrenocortical carcinoma, hereditary. Review status: no classification provided. Collection method: in vitro. Allele origin: not applicable. Functional consequence: skipped exon. Not counted in ClinVar's aggregate classification.

Literature cited by the submitters: PubMed 16199547 (cited by Labcorp Genetics (formerly Invitae), Labcorp); PubMed 15318302 (cited by Labcorp Genetics (formerly Invitae), Labcorp); PubMed 19763162 (cited by Labcorp Genetics (formerly Invitae), Labcorp); PubMed 23505322 (cited by Labcorp Genetics (formerly Invitae), Labcorp); PubMed 29995837 (cited by Labcorp Genetics (formerly Invitae), Labcorp); PubMed 15591270 (cited by Labcorp Genetics (formerly Invitae), Labcorp); PubMed 22581668 (cited by Labcorp Genetics (formerly Invitae), Labcorp); PubMed 25574841 (cited by Labcorp Genetics (formerly Invitae), Labcorp and Lupski Lab, Baylor-Hopkins CMG, Baylor College of Medicine).

NM_133433.4(NIPBL):c.64+1G>A

Gene: NIPBL (NIPBL cohesin loading factor; plus strand). Cytogenetic location: 5p13.2.
Variant type: single nucleotide variant.
Coding change: c.64+1G>A on transcript NM_133433.4 (MANE Select); the canonical splice donor site of the intron after coding-DNA position 64, G replaced by A.
Molecular consequence: splice donor variant.
Genome position (GRCh38, 1-based): chr5:36,953,761, G>A. VCF-style: chr5-36953761-G-A. GRCh37 (hg19) VCF-style: chr5-36953863-G-A.
Other names: c.64+1G>A (NM_015384.5).
Identifiers: ClinVar variation 159191 (VCV000159191.18), dbSNP rs587784009, ClinGen allele CA333508.